The following is an entry in ClinVar:

NM_032043.3(BRIP1):c.3665A>T (p.Glu1222Val)

Gene: BRIP1 (BRCA1 interacting DNA helicase 1; minus strand). Cytogenetic location: 17q23.2.
Variant type: single nucleotide variant.
Coding change: c.3665A>T on transcript NM_032043.3 (MANE Select); coding-DNA position 3665, A replaced by T.
Protein change: p.Glu1222Val; replaces glutamic acid 1222 with valine.
Molecular consequence: missense variant.
Genome position (GRCh38, 1-based): chr17:61,683,381, T>A on the plus strand (A>T on the coding strand, the complement: BRIP1 is on the minus strand). VCF-style: chr17-61683381-T-A. GRCh37 (hg19) VCF-style: chr17-59760742-T-A.
Other names: short protein forms E1222V.
Identifiers: ClinVar variation 640730 (VCV000640730.17), dbSNP rs770175142, ClinGen allele CA400477869.

ClinVar aggregate classification (germline): Uncertain significance. Review status: criteria provided, multiple submitters, no conflicts (2 of 4 stars). 3 submissions from 3 submitters: Uncertain significance (3). Last evaluated 2024-09-26.

Conditions:
Hereditary cancer-predisposing syndrome. Also called: Neoplastic Syndromes, Hereditary; Hereditary Cancer Syndrome; Hereditary neoplastic syndrome; Tumor predisposition. Identifiers: Orphanet 140162, MedGen C0027672, MeSH D009386, MONDO:0015356.
Familial cancer of breast. Also called: hereditary breast carcinoma; BREAST CANCER, FAMILIAL; Hereditary breast cancer. Identifiers: Orphanet 227535, MedGen C0346153, MONDO:0016419, OMIM 114480. Disease mechanism: loss of function.
Fanconi anemia complementation group J. Also called: BRIP1-Related Fanconi Anemia. Identifiers: Orphanet 84, MedGen C1836860, MONDO:0012187, OMIM 609054.

Submissions (3):

Ambry Genetics
Classification: Uncertain significance for Hereditary cancer-predisposing syndrome. Last evaluated: 2024-09-26. Review status: criteria provided, single submitter. Criteria: Ambry Variant Classification Scheme 2023. Collection method: clinical testing. Allele origin: germline.
Comment: The p.E1222V variant (also known as c.3665A>T), located in coding exon 19 of the BRIP1 gene, results from an A to T substitution at nucleotide position 3665. The glutamic acid at codon 1222 is replaced by valine, an amino acid with dissimilar properties. This amino acid position is not well conserved in available vertebrate species. In addition, this alteration is predicted to be tolerated by in silico analysis. Since supporting evidence is limited at this time, the clinical significance of this alteration remains unclear.

Color Diagnostics, LLC DBA Color Health
Classification: Uncertain significance for Hereditary cancer-predisposing syndrome. Last evaluated: 2023-12-05. Review status: criteria provided, single submitter. Criteria: ACMG Guidelines, 2015. Collection method: clinical testing. Allele origin: germline.
Comment: This missense variant replaces glutamic acid with valine at codon 1222 of the BRIP1 protein. Computational prediction suggests that this variant may not impact protein structure and function (internally defined REVEL score threshold <= 0.5, PMID: 27666373). To our knowledge, functional studies have not been reported for this variant. This variant has not been reported in individuals affected with BRIP1-related disorders in the literature. This variant has not been identified in the general population by the Genome Aggregation Database (gnomAD). The available evidence is insufficient to determine the role of this variant in disease conclusively. Therefore, this variant is classified as a Variant of Uncertain Significance.

Labcorp Genetics (formerly Invitae), Labcorp
Classification: Uncertain significance for Familial cancer of breast; Fanconi anemia complementation group J. Last evaluated: 2022-08-18. Review status: criteria provided, single submitter. Criteria: Invitae Variant Classification Sherloc (09022015). Collection method: clinical testing. Allele origin: germline.
Comment: In summary, the available evidence is currently insufficient to determine the role of this variant in disease. Therefore, it has been classified as a Variant of Uncertain Significance. Algorithms developed to predict the effect of sequence changes on RNA splicing suggest that this variant may create or strengthen a splice site. Algorithms developed to predict the effect of missense changes on protein structure and function (SIFT, PolyPhen-2, Align-GVGD) all suggest that this variant is likely to be tolerated. ClinVar contains an entry for this variant (Variation ID: 640730). This variant has not been reported in the literature in individuals affected with BRIP1-related conditions. This sequence change replaces glutamic acid, which is acidic and polar, with valine, which is neutral and non-polar, at codon 1222 of the BRIP1 protein (p.Glu1222Val). This variant is not present in population databases (gnomAD no frequency).